The following is an entry in ClinVar:

ClinVar aggregate classification (germline): Uncertain significance. Review status: criteria provided, multiple submitters, no conflicts (2 of 4 stars). 2 submissions from 2 submitters: Uncertain significance (2). Last evaluated 2025-09-08.

Conditions:
Noonan syndrome 8 (NS8). Identifiers: Orphanet 648, MedGen C3809233, MONDO:0014143, OMIM 615355.

Allele frequency attached by ClinVar (database versions not stated): gnomAD 0.00001; gnomAD exomes 0.00001.
gnomAD v4.1: 8 of 1,613,964 alleles (0.0005%); highest among the groups gnomAD compares: Non-Finnish European, 0.00068%; no homozygotes.

Submissions (2):

GeneDx
Classification: Uncertain significance. Last evaluated: 2025-09-08. Review status: criteria provided, single submitter. Criteria: GeneDx Variant Classification Process June 2021. Collection method: clinical testing. Allele origin: germline.
Comment: In silico analysis suggests that this missense variant does not alter protein structure/function; Has not been previously published as pathogenic or benign to our knowledge

Labcorp Genetics (formerly Invitae), Labcorp
Classification: Uncertain significance for Noonan syndrome 8. Last evaluated: 2022-08-18. Review status: criteria provided, single submitter. Criteria: Invitae Variant Classification Sherloc (09022015). Collection method: clinical testing. Allele origin: germline.
Comment: In summary, the available evidence is currently insufficient to determine the role of this variant in disease. Therefore, it has been classified as a Variant of Uncertain Significance. Advanced modeling of protein sequence and biophysical properties (such as structural, functional, and spatial information, amino acid conservation, physicochemical variation, residue mobility, and thermodynamic stability) performed at Invitae indicates that this missense variant is not expected to disrupt RIT1 protein function. This variant has not been reported in the literature in individuals affected with RIT1-related conditions. This variant is present in population databases (no rsID available, gnomAD 0.0009%). This sequence change replaces arginine, which is basic and polar, with glycine, which is neutral and non-polar, at codon 45 of the RIT1 protein (p.Arg45Gly).

NM_006912.6(RIT1):c.133C>G (p.Arg45Gly)

Gene: RIT1 (Ras like without CAAX 1; minus strand). Cytogenetic location: 1q22.
Variant type: single nucleotide variant.
Coding change: c.133C>G on transcript NM_006912.6 (MANE Select); coding-DNA position 133, C replaced by G.
Protein change: p.Arg45Gly; replaces arginine 45 with glycine.
Molecular consequence: missense variant.
Genome position (GRCh38, 1-based): chr1:155,910,480, G>C on the plus strand (C>G on the coding strand, the complement: RIT1 is on the minus strand). VCF-style: chr1-155910480-G-C. GRCh37 (hg19) VCF-style: chr1-155880271-G-C.
Other names: c.133C>G (NM_006912.5); c.25C>G, p.Arg9Gly (NM_001256820.2); c.184C>G, p.Arg62Gly (NM_001256821.2); short protein forms R62G, R45G, R9G.
Identifiers: ClinVar variation 2177115 (VCV002177115.6), dbSNP rs1316625491, ClinGen allele CA342776012.